The following is an entry in ClinVar:

NM_000302.4(PLOD1):c.77-3358C>T

Genes: PLOD1 (procollagen-lysine,2-oxoglutarate 5-dioxygenase 1; plus strand), LOC112577486 (Sharpr-MPRA regulatory region 8260; plus strand). Cytogenetic location: 1p36.22.
Variant type: single nucleotide variant.
Coding change: c.77-3358C>T on transcript NM_000302.4 (MANE Select); 3358 bases into the intron before coding-DNA position 77, C replaced by T.
Molecular consequence: intron variant. On other transcripts: missense variant (1).
Genome position (GRCh38, 1-based): chr1:11,944,618, C>T. VCF-style: chr1-11944618-C-T. GRCh37 (hg19) VCF-style: chr1-12004675-C-T.
Other names: c.173C>T, p.Ser58Phe (NM_001316320.2); short protein forms S58F.
Identifiers: ClinVar variation 1285073 (VCV001285073.17), dbSNP rs534978828, ClinGen allele CA597746.

ClinVar aggregate classification (germline): Conflicting classifications of pathogenicity. Review status: criteria provided, conflicting classifications (1 of 4 stars). 9 submissions from 9 submitters: Uncertain significance (2); Likely benign (4). 3 of the submissions do not count toward it. Last evaluated 2025-05-26.

Conditions:
Ehlers-Danlos syndrome, kyphoscoliotic type 1 (EDSKSCL1). Also called: EHLERS-DANLOS SYNDROME, TYPE VIA; Ehlers-Danlos syndrome, hydroxylysine-deficient; EHLERS-DANLOS SYNDROME, OCULAR-SCOLIOTIC TYPE; PLOD1-Related Kyphoscoliotic Ehlers-Danlos Syndrome. Identifiers: Orphanet 1900, MedGen C0268342, MONDO:0016002, OMIM 225400. Disease mechanism: loss of function.
PLOD1-related disorder. Also called: PLOD1-related condition.

Allele frequency attached by ClinVar (database versions not stated): 1000 Genomes Project 0.00080; TOPMed 0.00148; gnomAD 0.00151 and 0.00153; gnomAD exomes 0.00160; ExAC 0.00194.
gnomAD v4.1: 3,146 of 1,364,866 alleles (0.23%); highest among the groups gnomAD compares: Non-Finnish European, 0.28%; 3 homozygotes.

Submissions (9):

ARUP Laboratories, Molecular Genetics and Genomics, ARUP Laboratories
Classification: Uncertain significance for Ehlers-Danlos syndrome, kyphoscoliotic type 1. Last evaluated: 2025-05-26. Review status: criteria provided, single submitter. Criteria: ARUP Molecular Germline Variant Investigation Process 2024. Collection method: clinical testing. Allele origin: germline.
Comment: The PLOD1 c.173C>T; p.Ser58Phe variant (rs534978828), also known as c.77-3358C>T in transcript NM_000302.4, to our knowledge, is not reported in the medical literature but is reported in ClinVar (Variation ID: 1285073). This variant is found in the non-Finnish European population with an overall allele frequency of 0.24% (296/120954 alleles) in the Genome Aggregation Database (v2.1.1). Computational analyses predict that this variant is neutral (REVEL: 0.004). This variant occurs in a weakly conserved exon that is expressed at low levels in the Genotype-Tissue Expression (GTEx) database (see link), suggesting it may not occur in physiologically relevant transcript. However, given the lack of clinical and functional data, the significance of the p.Ser58Phe variant is uncertain at this time. References: Link to PLOD1 in GTEx Portal

Molecular Diagnostic Laboratory for Inherited Cardiovascular Disease, Montreal Heart Institute
Classification: Likely benign. Last evaluated: 2025-04-09. Review status: criteria provided, single submitter. Criteria: ACMG Guidelines, 2015. Collection method: clinical testing. Allele origin: germline. Affected: no.

Blueprint Genetics
Classification: Likely benign. Last evaluated: 2024-11-19. Review status: criteria provided, single submitter. Criteria: ACMG Guidelines, 2015. Collection method: clinical testing. Allele origin: germline.

Department of Pathology and Laboratory Medicine, Sinai Health System
Classification: Uncertain significance for Ehlers-Danlos syndrome, kyphoscoliotic type 1. Last evaluated: 2023-11-08. Review status: criteria provided, single submitter. Criteria: ACMG Guidelines, 2015. Collection method: research. Allele origin: germline.

Dubai Health Genomic Medicine Center, Dubai Health
Classification: Likely benign for Ehlers-Danlos syndrome, kyphoscoliotic type 1. Last evaluated: 2020-06-02. Review status: criteria provided, single submitter. Criteria: ACMG Guidelines, 2015. Collection method: clinical testing. Allele origin: germline. Affected: yes.

Breakthrough Genomics
Classification: Likely benign. Review status: criteria provided, single submitter. Criteria: ACMG Guidelines, 2015. Collection method: not provided. Allele origin: germline. Inheritance: Autosomal recessive inheritance. Affected: yes.

PreventionGenetics, part of Exact Sciences
Classification: Likely benign for PLOD1-related condition. Last evaluated: 2022-01-27. Review status: no assertion criteria provided. Collection method: clinical testing. Allele origin: germline. Not counted in ClinVar's aggregate classification.
Comment: This variant is classified as likely benign based on ACMG/AMP sequence variant interpretation guidelines (Richards et al. 2015 PMID: 25741868, with internal and published modifications).

Clinical Genetics DNA and cytogenetics Diagnostics Lab, Erasmus MC, Erasmus Medical Center
Classification: Likely benign. Review status: no assertion criteria provided. Collection method: clinical testing. Allele origin: germline. Affected: yes. Study: VKGL Data-share Consensus. Not counted in ClinVar's aggregate classification.

Genome Diagnostics Laboratory, University Medical Center Utrecht
Classification: Likely benign. Review status: no assertion criteria provided. Collection method: clinical testing. Allele origin: germline. Affected: yes. Study: VKGL Data-share Consensus. Not counted in ClinVar's aggregate classification.